The following is an entry in ClinVar:

NM_001079866.2(BCS1L):c.134G>A (p.Arg45His)

Gene: BCS1L (BCS1 ubiquinol-cytochrome c reductase complex chaperone; plus strand). Cytogenetic location: 2q35.
Variant type: single nucleotide variant.
Coding change: c.134G>A on transcript NM_001079866.2 (MANE Select); coding-DNA position 134, G replaced by A.
Protein change: p.Arg45His; replaces arginine 45 with histidine.
Molecular consequence: missense variant. On other transcripts: 5 prime UTR variant (5), non-coding transcript variant (1), intron variant (3).
Genome position (GRCh38, 1-based): chr2:218,661,121, G>A. VCF-style: chr2-218661121-G-A. GRCh37 (hg19) VCF-style: chr2-219525844-G-A.
Other names: c.134G>A, p.Arg45His (NM_001257342.2, NM_001257343.2, NM_001257344.2 and 10 more transcripts); c.-343G>A (NM_001371453.1, NM_001371454.1, NM_001371455.1 and 2 more transcripts); c.-40-285G>A (NM_001371451.1, NM_001318836.2); c.-41-638G>A (NM_001371452.1); short protein forms R45H.
Identifiers: ClinVar variation 554577 (VCV000554577.18), dbSNP rs754414354, ClinGen allele CA2109610.

ClinVar aggregate classification (germline): Conflicting classifications of pathogenicity. Review status: criteria provided, conflicting classifications (1 of 4 stars). 6 submissions from 6 submitters: Pathogenic (1); Likely pathogenic (4); Uncertain significance (1). Last evaluated 2026-04-20.

Conditions:
Pili torti-deafness syndrome (BJS). Also called: Bjornstad syndrome; PILI TORTI AND NERVE DEAFNESS. Identifiers: Orphanet 123, MedGen C0266006, MONDO:0009872, OMIM 262000.
BCS1L-related disorder. Also called: BCS1L-related disorders; BCS1L-related condition. Identifiers: MedGen CN239240.
Mitochondrial complex III deficiency nuclear type 1. Identifiers: Orphanet 254902, MedGen C3541471, MONDO:0007415, OMIM 124000.

Allele frequency attached by ClinVar (database versions not stated): TOPMed below 0.00001; gnomAD 0.00001; gnomAD exomes 0.00002; ExAC 0.00003.
gnomAD v4.1: 35 of 1,614,044 alleles (0.0022%); highest among the groups gnomAD compares: African/African-American, 0.0027%; no homozygotes.

Submissions (6):

Myriad Genetics, Inc.
Classification: Uncertain significance for BCS1L-related disorder. Last evaluated: 2026-04-20. Review status: criteria provided, single submitter. Criteria: Myriad Autosomal Dominant, Autosomal Recessive and X-Linked Classification Criteria (2023). Collection method: clinical testing. Allele origin: unknown.
Comment: NM_004328.4(BCS1L):c.134G>A(R45H) is a missense variant classified as a variant of uncertain significance in the context of BCS1L-related disorders. R45H has been observed in a case with relevant disease (PMID: 28322498). Relevant functional assessments of this variant are not available in the literature. R45H has been observed in referenced population frequency databases. In summary, there is insufficient evidence to classify NM_004328.4(BCS1L):c.134G>A(R45H) as pathogenic or benign. Please note: this variant was assessed in the context of healthy population screening.

OLLIN Analises Genomicas, OLLIN
Classification: Likely pathogenic for Mitochondrial complex III deficiency nuclear type 1. Last evaluated: 2026-02-13. Review status: criteria provided, single submitter. Criteria: ACMG Guidelines 2015 PMID 25741868. Collection method: clinical testing. Allele origin: germline. Observed: 1 variant allele.
Comment: PM2_P, PM3, PM5, PP1, PP3_M

Women's Health and Genetics/Laboratory Corporation of America, LabCorp
Classification: Likely pathogenic for Pili torti-deafness syndrome. Last evaluated: 2025-09-30. Review status: criteria provided, single submitter. Criteria: LabCorp Variant Classification Summary - May 2015. Collection method: clinical testing. Allele origin: germline.
Comment: Variant summary: BCS1L c.134G>A (p.Arg45His) results in a non-conservative amino acid change in the encoded protein sequence. Algorithms developed to predict the effect of missense changes on protein structure and function all suggest that this variant is likely to be disruptive. The variant allele was found at a frequency of 2.4e-05 in 251480 control chromosomes. c.134G>A has been observed in two compound heterozygous siblings affected with Bjornstad Syndrome (Falco_2017). These data indicate that the variant may be associated with disease. To our knowledge, no experimental evidence demonstrating an impact on protein function has been reported. However, a different variant affecting the same codon has been classified as pathogenic/likely pathogenic (c.133C>T, p.Arg45Cys), supporting the critical relevance of codon 45 to BCS1L protein function. The following publication has been ascertained in the context of this evaluation (PMID: 28322498). ClinVar contains an entry for this variant (Variation ID: 554577). Based on the evidence outlined above, the variant was classified as likely pathogenic.

Labcorp Genetics (formerly Invitae), Labcorp
Classification: Pathogenic. Last evaluated: 2024-03-07. Review status: criteria provided, single submitter. Criteria: Invitae Variant Classification Sherloc (09022015). Collection method: clinical testing. Allele origin: germline.
Comment: This sequence change replaces arginine, which is basic and polar, with histidine, which is basic and polar, at codon 45 of the BCS1L protein (p.Arg45His). This variant is present in population databases (rs754414354, gnomAD 0.004%). This missense change has been observed in individual(s) with Bjornstad syndrome (PMID: 28322498). It has also been observed to segregate with disease in related individuals. ClinVar contains an entry for this variant (Variation ID: 554577). Advanced modeling of protein sequence and biophysical properties (such as structural, functional, and spatial information, amino acid conservation, physicochemical variation, residue mobility, and thermodynamic stability) performed at Invitae indicates that this missense variant is expected to disrupt BCS1L protein function with a positive predictive value of 95%. This variant disrupts the p.Arg45 amino acid residue in BCS1L. Other variant(s) that disrupt this residue have been determined to be pathogenic (PMID: 12910490, 20727375). This suggests that this residue is clinically significant, and that variants that disrupt this residue are likely to be disease-causing. For these reasons, this variant has been classified as Pathogenic.

Revvity Omics, Revvity
Classification: Likely pathogenic. Last evaluated: 2022-06-03. Review status: criteria provided, single submitter. Criteria: ACMG Guidelines, 2015. Collection method: clinical testing. Allele origin: germline.

GeneDx
Classification: Likely pathogenic. Last evaluated: 2022-03-10. Review status: criteria provided, single submitter. Criteria: GeneDx Variant Classification Process June 2021. Collection method: clinical testing. Allele origin: germline. Affected: yes.
Comment: Not observed at significant frequency in large population cohorts (gnomAD); In silico analysis supports that this missense variant has a deleterious effect on protein structure/function; This variant is associated with the following publications: (PMID: 28322498)

Literature cited by the submitters: PubMed 28322498 (cited by 3 submitters); PubMed 12910490 (cited by Labcorp Genetics (formerly Invitae), Labcorp); PubMed 20727375 (cited by Labcorp Genetics (formerly Invitae), Labcorp).